The following is an entry in ClinVar:

ClinVar aggregate classification (germline): Benign. Review status: criteria provided, multiple submitters, no conflicts (2 of 4 stars). 3 submissions from 3 submitters: Benign (2). 1 of the submissions does not count toward it. Last evaluated 2026-01-27.

Conditions:
SIRT1-related disorder. Also called: SIRT1-related condition.

Allele frequency attached by ClinVar (database versions not stated): 1000 Genomes Project 30x 0.00156; 1000 Genomes Project 0.00180; TOPMed 0.00217; gnomAD 0.00294 and 0.00306; gnomAD exomes 0.00324.
gnomAD v4.1: 3,879 of 1,223,802 alleles (0.32%); highest among the groups gnomAD compares: Non-Finnish European, 0.34%; 4 homozygotes.

Submissions (3):

Labcorp Genetics (formerly Invitae), Labcorp
Classification: Benign. Last evaluated: 2026-01-27. Review status: criteria provided, single submitter. Criteria: Invitae Variant Classification Sherloc (09022015). Collection method: clinical testing. Allele origin: germline.

Breakthrough Genomics
Classification: Benign. Review status: criteria provided, single submitter. Criteria: ACMG Guidelines, 2015. Collection method: not provided. Allele origin: germline. Inheritance: Unknown mechanism. Affected: yes.

PreventionGenetics, part of Exact Sciences
Classification: Likely benign for SIRT1-related condition. Last evaluated: 2022-07-11. Review status: no assertion criteria provided. Collection method: clinical testing. Allele origin: germline. Not counted in ClinVar's aggregate classification.
Comment: This variant is classified as likely benign based on ACMG/AMP sequence variant interpretation guidelines (Richards et al. 2015 PMID: 25741868, with internal and published modifications).

NM_012238.5(SIRT1):c.110C>T (p.Pro37Leu)

Genes: SIRT1 (sirtuin 1; plus strand), LOC107832851 (SIRT1 promoter region; plus strand). Cytogenetic location: 10q21.3.
Variant type: single nucleotide variant.
Coding change: c.110C>T on transcript NM_012238.5 (MANE Select); coding-DNA position 110, C replaced by T.
Protein change: p.Pro37Leu; replaces proline 37 with leucine.
Molecular consequence: missense variant.
Genome position (GRCh38, 1-based): chr10:67,884,831, C>T. VCF-style: chr10-67884831-C-T. GRCh37 (hg19) VCF-style: chr10-69644589-C-T.
Other names: c.110C>T (NM_012238.4); short protein forms P37L.
Identifiers: ClinVar variation 1541459 (VCV001541459.11), dbSNP rs548590752, ClinGen allele CA5520974.
Genomic context (GRCh38, chr10:67,884,831, plus strand): 5'-CGGCGGGGGCCGACAGGGAGGCCGCGTCGTCCCCCGCCGGGGAGCCGCTCCGCAAGAGGC[C>T]GCGGAGAGATGGTCCCGGCCTCGAGCGGAGCCCGGGCGAGCCCGGTGGGGCGGCCCCAGA-3'
Protein context (NP_036370.2, residues 27-47): SPAGEPLRKR[Pro37Leu]RRDGPGLERS